The following is an entry in ClinVar:

NM_033427.3(CTTNBP2):c.3442C>A (p.Gln1148Lys)

Gene: CTTNBP2 (cortactin binding protein 2; minus strand). Cytogenetic location: 7q31.31.
Variant type: single nucleotide variant.
Coding change: c.3442C>A on transcript NM_033427.3 (MANE Select); coding-DNA position 3442, C replaced by A.
Protein change: p.Gln1148Lys; replaces glutamine 1148 with lysine.
Molecular consequence: missense variant.
Genome position (GRCh38, 1-based): chr7:117,745,924, G>T on the plus strand (C>A on the coding strand, the complement: CTTNBP2 is on the minus strand). VCF-style: chr7-117745924-G-T. GRCh37 (hg19) VCF-style: chr7-117385978-G-T.
Other names: c.3388C>A, p.Gln1130Lys (NM_001363349.1); c.1345C>A, p.Gln449Lys (NM_001363350.1, NM_001363351.1); short protein forms Q1130K, Q1148K, Q449K.
Identifiers: ClinVar variation 3039294 (VCV003039294.2), dbSNP rs10274022, ClinGen allele CA4452193.
Genomic context (GRCh38, chr7:117,745,924, plus strand): 5'-TGGAAAAACCAGCATCTACTTCAGCTCTCACTATTTCACAGGAGAATCCTGCAGCCATTT[G>T]TCTGTGCTGTGATAAGAAAATAGGGTGATTAGTTCTACGCACTTGCCAATTTTCAAAGAA-3'
Protein context (NP_219499.1, residues 1138-1158): HQLALCLKHR[Gln1148Lys]MAAGFSCEIV

ClinVar aggregate classification (germline): Benign (0 of 4 stars; one submission).

Conditions:
CTTNBP2-related disorder. Also called: CTTNBP2-related condition.

Allele frequency attached by ClinVar (database versions not stated): ExAC 0.00330; gnomAD 0.00919; TOPMed 0.01034; 1000 Genomes Project 0.01058; ESP Exome Variant Server 0.01069; 1000 Genomes Project 30x 0.01156.
gnomAD v4.1: 3,015 of 1,614,022 alleles (0.19%); highest among the groups gnomAD compares: African/African-American, 3.1%; 43 homozygotes.

Submission:

PreventionGenetics, part of Exact Sciences
Classification: Benign for CTTNBP2-related condition. Last evaluated: 2022-10-03. Review status: no assertion criteria provided. Collection method: clinical testing. Allele origin: germline.
Comment: This variant is classified as benign based on ACMG/AMP sequence variant interpretation guidelines (Richards et al. 2015 PMID: 25741868, with internal and published modifications).